The following is an entry in ClinVar:

ClinVar aggregate classification (germline): Likely benign (0 of 4 stars; one submission).

Conditions:
TBX3-related disorder. Also called: TBX3-related condition.

Allele frequency attached by ClinVar (database versions not stated): TOPMed 0.00001; gnomAD 0.00003; ExAC 0.00007; 1000 Genomes Project 30x 0.00016; ESP Exome Variant Server 0.00016; 1000 Genomes Project 0.00020.

Submission:

PreventionGenetics, part of Exact Sciences
Classification: Likely benign for TBX3-related condition. Last evaluated: 2023-12-20. Review status: no assertion criteria provided. Collection method: clinical testing. Allele origin: germline.
Comment: This variant is classified as likely benign based on ACMG/AMP sequence variant interpretation guidelines (Richards et al. 2015 PMID: 25741868, with internal and published modifications).

NM_005996.4(TBX3):c.1071C>T (p.Ala357=)

Gene: TBX3 (T-box transcription factor 3; minus strand). Cytogenetic location: 12q24.21.
Variant type: single nucleotide variant.
Coding change: c.1071C>T on transcript NM_005996.4 (MANE Select); coding-DNA position 1071, C replaced by T.
Protein change: p.Ala357=; no amino-acid change (alanine 357 retained).
Molecular consequence: synonymous variant.
Genome position (GRCh38, 1-based): chr12:114,674,804, G>A on the plus strand (C>T on the coding strand, the complement: TBX3 is on the minus strand). VCF-style: chr12-114674804-G-A. GRCh37 (hg19) VCF-style: chr12-115112609-G-A.
Other names: c.1131C>T, p.Ala377= (NM_016569.4).
Identifiers: ClinVar variation 3035884 (VCV003035884.2), dbSNP rs144726655, ClinGen allele CA6810006.
Genomic context (GRCh38, chr12:114,674,804, plus strand): 5'-GGTGGAGATCTTGGCCGCGTCGCAGGCCTCGGGGCCATGCTCCTCTTTGCTCTCGGCCTC[G>A]GCGTCGCTCTCACCCTCGCTGGGACATAAATCTACCACAGGCGAAGGAAAAAACCAAGGC-3'
Protein context (NP_005987.3, residues 347-367): DLCPSEGESD[Ala357=]EAESKEEHGP